The following is an entry in ClinVar:

NM_001349.4(DARS1):c.1414+18C>T

Gene: DARS1 (aspartyl-tRNA synthetase 1; minus strand). Cytogenetic location: 2q21.3.
Variant type: single nucleotide variant.
Coding change: c.1414+18C>T on transcript NM_001349.4 (MANE Select); 18 bases into the intron after coding-DNA position 1414, C replaced by T.
Molecular consequence: intron variant.
Genome position (GRCh38, 1-based): chr2:135,911,121, G>A on the plus strand (C>T on the coding strand, the complement: DARS1 is on the minus strand). VCF-style: chr2-135911121-G-A. GRCh37 (hg19) VCF-style: chr2-136668691-G-A.
Other names: c.1114+18C>T (NM_001293312.1).
Identifiers: ClinVar variation 381423 (VCV000381423.11), dbSNP rs115253602, ClinGen allele CA1889460.

ClinVar aggregate classification (germline): Benign. Review status: criteria provided, multiple submitters, no conflicts (2 of 4 stars). 3 submissions from 3 submitters: Benign (3). Last evaluated 2026-01-29.

Allele frequency attached by ClinVar (database versions not stated): gnomAD exomes 0.00141 and 0.00291; 1000 Genomes Project 30x 0.00796; ESP Exome Variant Server 0.00831; gnomAD 0.00849 and 0.00913; TOPMed 0.00968; ExAC 0.00332; 1000 Genomes Project 0.00759.
gnomAD v4.1: 2,710 of 1,108,042 alleles (0.24%); highest among the groups gnomAD compares: African/African-American, 2.7%; 36 homozygotes.

Submissions (3):

Labcorp Genetics (formerly Invitae), Labcorp
Classification: Benign. Last evaluated: 2026-01-29. Review status: criteria provided, single submitter. Criteria: Invitae Variant Classification Sherloc (09022015). Collection method: clinical testing. Allele origin: germline.

GeneDx
Classification: Benign. Last evaluated: 2016-11-03. Review status: criteria provided, single submitter. Criteria: GeneDx Variant Classification (06012015). Collection method: clinical testing. Allele origin: germline. Affected: yes.
Comment: This variant is considered likely benign or benign based on one or more of the following criteria: it is a conservative change, it occurs at a poorly conserved position in the protein, it is predicted to be benign by multiple in silico algorithms, and/or has population frequency not consistent with disease.

Breakthrough Genomics
Classification: Benign. Review status: criteria provided, single submitter. Criteria: ACMG Guidelines, 2015. Collection method: not provided. Allele origin: germline. Inheritance: Autosomal recessive inheritance. Affected: yes.